The following is an entry in ClinVar:

ClinVar aggregate classification (germline): Uncertain significance (1 of 4 stars; one submission).

Conditions:
Hereditary cancer-predisposing syndrome. Also called: Hereditary Cancer Syndrome; Hereditary neoplastic syndrome; Neoplastic Syndromes, Hereditary; Tumor predisposition. Identifiers: Orphanet 140162, MedGen C0027672, MeSH D009386, MONDO:0015356.

Submission:

Ambry Genetics
Classification: Uncertain significance for Hereditary cancer-predisposing syndrome. Last evaluated: 2022-01-26. Review status: criteria provided, single submitter. Criteria: Ambry Variant Classification Scheme 2023. Collection method: clinical testing. Allele origin: germline.
Comment: The c.1027+5C>G intronic variant results from a C to G substitution 5 nucleotides after coding exon 6 in the MSH3 gene. This nucleotide position is highly conserved in available vertebrate species. In silico splice site analysis predicts that this alteration will weaken the native splice donor site; however, direct evidence is insufficient at this time (Ambry internal data). Since supporting evidence is limited at this time, the clinical significance of this alteration remains unclear.

NM_002439.5(MSH3):c.1027+5C>G

Genes: MSH3 (mutS homolog 3; plus strand), LOC126807437 (MED14-independent group 3 enhancer GRCh37_chr5:79968379-79969578; plus strand). Cytogenetic location: 5q14.1.
Variant type: single nucleotide variant.
Coding change: c.1027+5C>G on transcript NM_002439.5 (MANE Select); 5 bases into the intron after coding-DNA position 1027, C replaced by G.
Molecular consequence: intron variant.
Genome position (GRCh38, 1-based): chr5:80,672,863, C>G. VCF-style: chr5-80672863-C-G. GRCh37 (hg19) VCF-style: chr5-79968682-C-G.
Identifiers: ClinVar variation 1769772 (VCV001769772.3), dbSNP rs2112814403, ClinGen allele CA2580073598.
Genomic context (GRCh38, chr5:80,672,863, plus strand): 5'-ACTCTTTTCCCGGAAATTGACTGCCCTTTATACAAAATCTACACTTATTGGAGAAGATAT[C>G]CTTTTTGGACGGGAGTTTTTCTCTTAAATGATACAAGGGCTTTGTTGGCAGGTTTTGTTT-3'